The following is an entry in ClinVar:

NM_003200.5(TCF3):c.748C>T (p.Pro250Ser)

Gene: TCF3 (transcription factor 3; minus strand). Cytogenetic location: 19p13.3.
Variant type: single nucleotide variant.
Coding change: c.748C>T on transcript NM_003200.5 (MANE Select); coding-DNA position 748, C replaced by T.
Protein change: p.Pro250Ser; replaces proline 250 with serine.
Molecular consequence: missense variant.
Genome position (GRCh38, 1-based): chr19:1,622,128, G>A on the plus strand (C>T on the coding strand, the complement: TCF3 is on the minus strand). VCF-style: chr19-1622128-G-A. GRCh37 (hg19) VCF-style: chr19-1622127-G-A.
Other names: c.748C>T, p.Pro250Ser (NM_001136139.4, NM_001351778.2, NM_001351779.2); short protein forms P250S.
Identifiers: ClinVar variation 2873179 (VCV002873179.3), dbSNP rs2513660386, ClinGen allele CA403055617.

ClinVar aggregate classification (germline): Uncertain significance (1 of 4 stars; one submission).

Submission:

Labcorp Genetics (formerly Invitae), Labcorp
Classification: Uncertain significance. Last evaluated: 2023-08-29. Review status: criteria provided, single submitter. Criteria: Invitae Variant Classification Sherloc (09022015). Collection method: clinical testing. Allele origin: germline.
Comment: In summary, the available evidence is currently insufficient to determine the role of this variant in disease. Therefore, it has been classified as a Variant of Uncertain Significance. Algorithms developed to predict the effect of sequence changes on RNA splicing suggest that this variant may create or strengthen a splice site. Algorithms developed to predict the effect of missense changes on protein structure and function output the following: SIFT: "Not Available"; PolyPhen-2: "Benign"; Align-GVGD: "Not Available". The serine amino acid residue is found in multiple mammalian species, which suggests that this missense change does not adversely affect protein function. This variant has not been reported in the literature in individuals affected with TCF3-related conditions. This variant is not present in population databases (gnomAD no frequency). This sequence change replaces proline, which is neutral and non-polar, with serine, which is neutral and polar, at codon 250 of the TCF3 protein (p.Pro250Ser).